The following is an entry in ClinVar:

ClinVar aggregate classification (germline): Uncertain significance (1 of 4 stars; one submission).

gnomAD v4.1: 8 of 1,614,096 alleles (0.0005%); highest among the groups gnomAD compares: Non-Finnish European, 0.00068%; no homozygotes.

Submission:

Labcorp Genetics (formerly Invitae), Labcorp
Classification: Uncertain significance. Last evaluated: 2026-01-28. Review status: criteria provided, single submitter. Criteria: Invitae Variant Classification Sherloc (09022015). Collection method: clinical testing. Allele origin: germline.
Comment: This sequence change affects codon 934 of the EMC1 mRNA. It is a 'silent' change, meaning that it does not change the encoded amino acid sequence of the EMC1 protein. This variant also falls at the last nucleotide of exon 22, which is part of the consensus splice site for this exon. This variant is not present in population databases (gnomAD no frequency). This variant has not been reported in the literature in individuals affected with EMC1-related conditions. Variants that disrupt the consensus splice site are a relatively common cause of aberrant splicing (PMID: 17576681, 9536098). Algorithms developed to predict the effect of sequence changes on RNA splicing suggest that this variant may disrupt the consensus splice site. In summary, the available evidence is currently insufficient to determine the role of this variant in disease. Therefore, it has been classified as a Variant of Uncertain Significance.

Literature cited by the submitters: PubMed 17576681; PubMed 9536098.

NM_015047.3(EMC1):c.2802G>A (p.Leu934=)

Genes: EMC1 (ER membrane protein complex subunit 1; minus strand), EMC1-AS1 (EMC1 antisense RNA 1; plus strand). Cytogenetic location: 1p36.13.
Variant type: single nucleotide variant.
Coding change: c.2802G>A on transcript NM_015047.3 (MANE Select); coding-DNA position 2802, G replaced by A.
Protein change: p.Leu934=; no amino-acid change (leucine 934 retained).
Molecular consequence: synonymous variant.
Genome position (GRCh38, 1-based): chr1:19,219,569, C>T on the plus strand (G>A on the coding strand, the complement: EMC1 is on the minus strand). VCF-style: chr1-19219569-C-T. GRCh37 (hg19) VCF-style: chr1-19546063-C-T.
Other names: c.2799G>A, p.Leu933= (NM_001271427.2, NM_001271428.2); c.2736G>A, p.Leu912= (NM_001271429.2); c.2811G>A, p.Leu937= (NM_001375820.1); c.2808G>A, p.Leu936= (NM_001375821.1).
Identifiers: ClinVar variation 4778925 (VCV004778925.1).